The following is an entry in ClinVar:

ClinVar aggregate classification (germline): Likely benign (1 of 4 stars; one submission).

Submission:

CeGaT Center for Human Genetics Tuebingen
Classification: Likely benign. Last evaluated: 2025-11-01. Review status: criteria provided, single submitter. Criteria: CeGaT Center For Human Genetics Tuebingen Variant Classification Criteria Version 2. Collection method: clinical testing. Allele origin: germline. Affected: yes. Observed: 1 variant allele.
Comment: TOP3B: BP4, BP7

NM_001282112.2(TOP3B):c.2304C>T (p.Ala768=)

Gene: TOP3B (DNA topoisomerase III beta; minus strand). Cytogenetic location: 22q11.22.
Variant type: single nucleotide variant.
Coding change: c.2304C>T on transcript NM_001282112.2 (MANE Select); coding-DNA position 2304, C replaced by T.
Protein change: p.Ala768=; no amino-acid change (alanine 768 retained).
Molecular consequence: synonymous variant. On other transcripts: 3 prime UTR variant (2), non-coding transcript variant (1).
Genome position (GRCh38, 1-based): chr22:21,957,399, G>A on the plus strand (C>T on the coding strand, the complement: TOP3B is on the minus strand). VCF-style: chr22-21957399-G-A. GRCh37 (hg19) VCF-style: chr22-22311771-G-A.
Other names: c.2304C>T, p.Ala768= (NM_001282113.2, NM_001349845.2, NM_001349847.2 and 1 more transcripts); c.1896C>T, p.Ala632= (NM_001349848.2, NM_001349850.2); c.*1007C>T (NM_001349851.2, NM_001349852.2).
Identifiers: ClinVar variation 4533551 (VCV004533551.6).